The following is an entry in ClinVar:

ClinVar aggregate classification (germline): Likely benign (1 of 4 stars; one submission).

Conditions:
RP1-related disorder. Also called: RP1-related condition.

gnomAD v4.1: 6 of 1,613,748 alleles (0.00037%); highest among the groups gnomAD compares: Admixed American, 0.005%; no homozygotes.

Submission:

PreventionGenetics, part of Exact Sciences
Classification: Likely benign for RP1-related condition. Last evaluated: 2024-10-17. Review status: criteria provided, single submitter. Criteria: ACMG Guidelines, 2015. Collection method: clinical testing. Allele origin: germline.
Comment: This variant is classified as likely benign based on ACMG/AMP sequence variant interpretation guidelines (Richards et al. 2015 PMID: 25741868, with internal and published modifications).

NM_006269.2(RP1):c.5388G>A (p.Thr1796=)

Genes: RP1 (RP1 axonemal microtubule associated; plus strand), LOC126860392 (CDK7 strongly-dependent group 2 enhancer GRCh37_chr8:55541319-55542518; plus strand). Cytogenetic location: 8q12.1.
Variant type: single nucleotide variant.
Coding change: c.5388G>A on transcript NM_006269.2 (MANE Select); coding-DNA position 5388, G replaced by A.
Protein change: p.Thr1796=; no amino-acid change (threonine 1796 retained).
Molecular consequence: synonymous variant.
Genome position (GRCh38, 1-based): chr8:54,629,270, G>A. VCF-style: chr8-54629270-G-A. GRCh37 (hg19) VCF-style: chr8-55541830-G-A.
Identifiers: ClinVar variation 4982484 (VCV004982484.1), dbSNP rs183370413.